The following is an entry in ClinVar:

ClinVar aggregate classification (germline): Uncertain significance (0 of 4 stars; one submission).

Conditions:
SH2B1-related disorder. Also called: SH2B1-related condition.

Submission:

PreventionGenetics, part of Exact Sciences
Classification: Uncertain significance for SH2B1-related condition. Last evaluated: 2024-05-10. Review status: no assertion criteria provided. Collection method: clinical testing. Allele origin: germline.
Comment: The SH2B1 c.533C>G variant is predicted to result in the amino acid substitution p.Pro178Arg. To our knowledge, this variant has not been reported in the literature or in a large population database, indicating this variant is rare. At this time, the clinical significance of this variant is uncertain due to the absence of conclusive functional and genetic evidence.

NM_001387430.1(SH2B1):c.533C>G (p.Pro178Arg)

Gene: SH2B1 (SH2B adaptor protein 1; plus strand). Cytogenetic location: 16p11.2.
Variant type: single nucleotide variant.
Coding change: c.533C>G on transcript NM_001387430.1 (MANE Select); coding-DNA position 533, C replaced by G.
Protein change: p.Pro178Arg; replaces proline 178 with arginine.
Molecular consequence: missense variant. On other transcripts: intron variant (1).
Genome position (GRCh38, 1-based): chr16:28,866,627, C>G. VCF-style: chr16-28866627-C-G. GRCh37 (hg19) VCF-style: chr16-28877948-C-G.
Other names: c.533C>G, p.Pro178Arg (NM_001145795.2, NM_001145796.2, NM_001145797.2 and 4 more transcripts); c.-26-747C>G (NM_001308294.2); short protein forms P178R.
Identifiers: ClinVar variation 3345047 (VCV003345047.1).